The following is an entry in ClinVar:

NM_006946.4(SPTBN2):c.6950G>C (p.Ser2317Thr)

Gene: SPTBN2 (spectrin beta, non-erythrocytic 2; minus strand). Cytogenetic location: 11q13.2.
Variant type: single nucleotide variant.
Coding change: c.6950G>C on transcript NM_006946.4 (MANE Select); coding-DNA position 6950, G replaced by C.
Protein change: p.Ser2317Thr; replaces serine 2317 with threonine.
Molecular consequence: missense variant.
Genome position (GRCh38, 1-based): chr11:66,686,094, C>G on the plus strand (G>C on the coding strand, the complement: SPTBN2 is on the minus strand). VCF-style: chr11-66686094-C-G. GRCh37 (hg19) VCF-style: chr11-66453565-C-G.
Other names: c.6971G>C, p.Ser2324Thr (NM_001411025.1); short protein forms S2324T, S2317T.
Identifiers: ClinVar variation 2412580 (VCV002412580.24), dbSNP rs148344758, ClinGen allele CA6127675.

ClinVar aggregate classification (germline): Uncertain significance. Review status: criteria provided, multiple submitters, no conflicts (2 of 4 stars). 2 submissions from 2 submitters: Uncertain significance (2). Last evaluated 2024-03-01.

Conditions:
Inborn genetic diseases. Identifiers: MedGen C0950123, MeSH D030342.

Allele frequency attached by ClinVar (database versions not stated): gnomAD 0.00001; TOPMed 0.00003; ESP Exome Variant Server 0.00008.

Submissions (2):

CeGaT Center for Human Genetics Tuebingen
Classification: Uncertain significance. Last evaluated: 2024-03-01. Review status: criteria provided, single submitter. Criteria: CeGaT Center For Human Genetics Tuebingen Variant Classification Criteria Version 2. Collection method: clinical testing. Allele origin: germline. Affected: yes. Observed: 1 variant allele.
Comment: SPTBN2: PM2

Ambry Genetics
Classification: Uncertain significance for Inborn genetic diseases. Last evaluated: 2021-07-09. Review status: criteria provided, single submitter. Criteria: Ambry Variant Classification Scheme 2023. Collection method: clinical testing. Allele origin: germline.